The following is an entry in ClinVar:

NM_001197104.2(KMT2A):c.9130A>T (p.Ile3044Phe)

Gene: KMT2A (lysine methyltransferase 2A; plus strand). Cytogenetic location: 11q23.3.
Variant type: single nucleotide variant.
Coding change: c.9130A>T on transcript NM_001197104.2 (MANE Select); coding-DNA position 9130, A replaced by T.
Protein change: p.Ile3044Phe; replaces isoleucine 3044 with phenylalanine.
Molecular consequence: missense variant.
Genome position (GRCh38, 1-based): chr11:118,505,022, A>T. VCF-style: chr11-118505022-A-T. GRCh37 (hg19) VCF-style: chr11-118375737-A-T.
Other names: c.9220A>T, p.Ile3074Phe (NM_001412597.1); c.9121A>T, p.Ile3041Phe (NM_005933.4); short protein forms I3041F, I3044F, I3074F.
Identifiers: ClinVar variation 4800571 (VCV004800571.1).

ClinVar aggregate classification (germline): Uncertain significance (1 of 4 stars; one submission).

Submission:

Labcorp Genetics (formerly Invitae), Labcorp
Classification: Uncertain significance. Last evaluated: 2025-08-18. Review status: criteria provided, single submitter. Criteria: Invitae Variant Classification Sherloc (09022015). Collection method: clinical testing. Allele origin: germline.
Comment: This sequence change replaces isoleucine, which is neutral and non-polar, with phenylalanine, which is neutral and non-polar, at codon 3044 of the KMT2A protein (p.Ile3044Phe). This variant is not present in population databases (gnomAD no frequency). This variant has not been reported in the literature in individuals affected with KMT2A-related conditions. Invitae Evidence Modeling of protein sequence and biophysical properties (such as structural, functional, and spatial information, amino acid conservation, physicochemical variation, residue mobility, and thermodynamic stability) indicates that this missense variant is not expected to disrupt KMT2A protein function with a negative predictive value of 95%. In summary, the available evidence is currently insufficient to determine the role of this variant in disease. Therefore, it has been classified as a Variant of Uncertain Significance.